The following is an entry in ClinVar:

NM_001330700.2(TOP2B):c.4000C>A (p.Pro1334Thr)

Gene: TOP2B (DNA topoisomerase II beta; minus strand). Cytogenetic location: 3p24.2.
Variant type: single nucleotide variant.
Coding change: c.4000C>A on transcript NM_001330700.2 (MANE Select); coding-DNA position 4000, C replaced by A.
Protein change: p.Pro1334Thr; replaces proline 1334 with threonine.
Molecular consequence: missense variant.
Genome position (GRCh38, 1-based): chr3:25,609,276, G>T on the plus strand (C>A on the coding strand, the complement: TOP2B is on the minus strand). VCF-style: chr3-25609276-G-T. GRCh37 (hg19) VCF-style: chr3-25650767-G-T.
Other names: c.3985C>A, p.Pro1329Thr (NM_001068.3); short protein forms P1329T, P1334T.
Identifiers: ClinVar variation 4531889 (VCV004531889.1).

ClinVar aggregate classification (germline): Uncertain significance (1 of 4 stars; one submission).

Conditions:
Intellectual disability. Also called: Intellectual functioning disability; intellectual disabilities; Intellectual developmental disorder. Identifiers: MedGen C3714756, MeSH D008607, MONDO:0001071, HP:0001249.

Submission:

Victorian Clinical Genetics Services, Murdoch Childrens Research Institute
Classification: Uncertain significance for Intellectual disability. Last evaluated: 2025-06-13. Review status: criteria provided, single submitter. Criteria: ACMG Guidelines, 2015. Collection method: clinical testing. Allele origin: germline. Affected: yes.
Comment: This variant is classified as VUS-3A. Evidence in support of pathogenic classification: Variant is absent from gnomAD (v2, v3 and v4); Additional information: Variant is predicted to result in a missense amino acid change from proline to threonine; This variant is heterozygous; This gene is associated with autosomal dominant disease; This variant has no previous evidence of pathogenicity; No published segregation evidence has been identified for this variant; No published functional evidence has been identified for this variant; No comparable missense variants have previous evidence for pathogenicity; Variant is not located in an established domain, motif, hotspot or informative constraint region; Missense variant with inconclusive in silico prediction and uninformative conservation; Dominant negative is a likely mechanism of disease in this gene and is associated with B-cell immunodeficiency, distal limb anomalies, and urogenital malformations (MIM#609296) and intellectual disability (MONDO:0001071), TOP2B-related (PMID: 31409799).

Literature cited by the submitters: PubMed 31409799.